The following is an entry in ClinVar:

ClinVar aggregate classification (germline): Uncertain significance (1 of 4 stars; one submission).

Allele frequency attached by ClinVar (database versions not stated): gnomAD exomes below 0.00001; ExAC 0.00001.
gnomAD v4.1: 7 of 1,612,682 alleles (0.00043%); highest among the groups gnomAD compares: African/African-American, 0.0053%; no homozygotes.

Submission:

Labcorp Genetics (formerly Invitae), Labcorp
Classification: Uncertain significance. Last evaluated: 2023-11-19. Review status: criteria provided, single submitter. Criteria: Invitae Variant Classification Sherloc (09022015). Collection method: clinical testing. Allele origin: germline.
Comment: This sequence change replaces arginine, which is basic and polar, with histidine, which is basic and polar, at codon 1091 of the CACNA2D4 protein (p.Arg1091His). This variant is present in population databases (rs772642356, gnomAD 0.01%). This variant has not been reported in the literature in individuals affected with CACNA2D4-related conditions. An algorithm developed to predict the effect of missense changes on protein structure and function (PolyPhen-2) suggests that this variant is likely to be disruptive. In summary, the available evidence is currently insufficient to determine the role of this variant in disease. Therefore, it has been classified as a Variant of Uncertain Significance.

NM_172364.5(CACNA2D4):c.3272G>A (p.Arg1091His)

Gene: CACNA2D4 (calcium voltage-gated channel auxiliary subunit alpha2delta 4; minus strand). Cytogenetic location: 12p13.33.
Variant type: single nucleotide variant.
Coding change: c.3272G>A on transcript NM_172364.5 (MANE Select); coding-DNA position 3272, G replaced by A.
Protein change: p.Arg1091His; replaces arginine 1091 with histidine.
Molecular consequence: missense variant.
Genome position (GRCh38, 1-based): chr12:1,795,336, C>T on the plus strand (G>A on the coding strand, the complement: CACNA2D4 is on the minus strand). VCF-style: chr12-1795336-C-T. GRCh37 (hg19) VCF-style: chr12-1904502-C-T.
Other names: short protein forms R1091H.
Identifiers: ClinVar variation 3010542 (VCV003010542.3), dbSNP rs772642356, ClinGen allele CA6386001.
Genomic context (GRCh38, chr12:1,795,336, plus strand): 5'-CCTCGATCCGCCTCAACCCGCACCTCTGGATGGAAGGCGTGGCAGGAGTCTGGTCGCCGG[C>T]GGAGCTTCTGGGAGCGCATCCGGTCACATTTGACAGAGGCATTATGTGCAGAAGCCACTG-3'
Protein context (NP_758952.4, residues 1081-1101): KCDRMRSQKL[Arg1091His]RRPDSCHAFH